The following is an entry in ClinVar:

NM_001242896.3(DEPDC5):c.2834G>A (p.Arg945His)

Gene: DEPDC5 (DEP domain containing 5, GATOR1 subcomplex subunit; plus strand). Cytogenetic location: 22q12.3.
Variant type: single nucleotide variant.
Coding change: c.2834G>A on transcript NM_001242896.3 (MANE Select); coding-DNA position 2834, G replaced by A.
Protein change: p.Arg945His; replaces arginine 945 with histidine.
Molecular consequence: missense variant. On other transcripts: non-coding transcript variant (5).
Genome position (GRCh38, 1-based): chr22:31,845,050, G>A. VCF-style: chr22-31845050-G-A. GRCh37 (hg19) VCF-style: chr22-32241036-G-A.
Other names: c.2834G>A (NM_001242896.1); c.2807G>A, p.Arg936His (NM_001136029.4, NM_001369903.1, NM_014662.6); c.2600G>A, p.Arg867His (NM_001242897.2, NM_001363854.2, NM_001364319.2); c.2834G>A, p.Arg945His (NM_001363852.2, NM_001364318.2, NM_001364320.2); c.2750G>A, p.Arg917His (NM_001369901.1, NM_001369902.1); short protein forms R867H, R917H, R945H, R936H.
Identifiers: ClinVar variation 1470039 (VCV001470039.8), dbSNP rs772897391, ClinGen allele CA411290963.

ClinVar aggregate classification (germline): Uncertain significance. Review status: criteria provided, multiple submitters, no conflicts (2 of 4 stars). 2 submissions from 2 submitters: Uncertain significance (2). Last evaluated 2025-08-28.

Conditions:
Inborn genetic diseases. Identifiers: MedGen C0950123, MeSH D030342.
Familial focal epilepsy with variable foci (FPEVF). Identifiers: Orphanet 98820, MedGen C1858477, MONDO:0020310.

Allele frequency attached by ClinVar (database versions not stated): TOPMed below 0.00001; gnomAD 0.00001.
gnomAD v4.1: 19 of 1,613,958 alleles (0.0012%); highest among the groups gnomAD compares: African/African-American, 0.0013%; no homozygotes.

Submissions (2):

Ambry Genetics
Classification: Uncertain significance for Inborn genetic diseases. Last evaluated: 2025-08-28. Review status: criteria provided, single submitter. Criteria: Ambry Variant Classification Scheme 2023. Collection method: clinical testing. Allele origin: germline.

Labcorp Genetics (formerly Invitae), Labcorp
Classification: Uncertain significance for Familial focal epilepsy with variable foci. Last evaluated: 2025-06-22. Review status: criteria provided, single submitter. Criteria: Invitae Variant Classification Sherloc (09022015). Collection method: clinical testing. Allele origin: germline.
Comment: This sequence change replaces arginine, which is basic and polar, with histidine, which is basic and polar, at codon 945 of the DEPDC5 protein (p.Arg945His). This variant is present in population databases (no rsID available, gnomAD 0.0009%). This variant has not been reported in the literature in individuals affected with DEPDC5-related conditions. ClinVar contains an entry for this variant (Variation ID: 1470039). Experimental studies and prediction algorithms are not available or were not evaluated, and the functional significance of this variant is currently unknown. In summary, the available evidence is currently insufficient to determine the role of this variant in disease. Therefore, it has been classified as a Variant of Uncertain Significance.